The following is an entry in ClinVar:

NM_005911.6(MAT2A):c.699G>A (p.Ala233=)

Genes: GGCX (gamma-glutamyl carboxylase; minus strand), MAT2A (methionine adenosyltransferase 2A; plus strand). Cytogenetic location: 2p11.2.
Variant type: single nucleotide variant.
Coding change: c.699G>A on transcript NM_005911.6 (MANE Select); coding-DNA position 699, G replaced by A.
Protein change: p.Ala233=; no amino-acid change (alanine 233 retained).
Molecular consequence: synonymous variant.
Genome position (GRCh38, 1-based): chr2:85,542,304, G>A. VCF-style: chr2-85542304-G-A. GRCh37 (hg19) VCF-style: chr2-85769427-G-A.
Identifiers: ClinVar variation 672424 (VCV000672424.5), dbSNP rs1407097517, ClinGen allele CA427439438.
Genomic context (GRCh38, chr2:85,542,304, plus strand): 5'-TTGTCTTGATGAAATGAGGGATGCCCTAAAGGAGAAAGTCATCAAAGCAGTTGTGCCTGC[G>A]AAATACCTTGATGAGGATACAATCTACCACCTACAGCCAAGTGGCAGATTTGTTATTGGT-3'
Protein context (NP_005902.1, residues 223-243): KEKVIKAVVP[Ala233=]KYLDEDTIYH

ClinVar aggregate classification (germline): Likely benign. Review status: criteria provided, multiple submitters, no conflicts (2 of 4 stars). 3 submissions from 3 submitters: Likely benign (3). Last evaluated 2024-11-02.

Conditions:
Cardiovascular phenotype. Identifiers: MedGen CN230736.
Familial thoracic aortic aneurysm and aortic dissection (TAAD). Also called: Thoracic aortic aneurysms and dissections. Identifiers: Orphanet 91387, MedGen C4707243, MONDO:0019625.

Allele frequency attached by ClinVar (database versions not stated): gnomAD exomes 0.00001; TOPMed 0.00001; gnomAD 0.00003.
gnomAD v4.1: 14 of 1,614,056 alleles (0.00087%); highest among the groups gnomAD compares: African/African-American, 0.011%; no homozygotes.

Submissions (3):

Labcorp Genetics (formerly Invitae), Labcorp
Classification: Likely benign for Familial thoracic aortic aneurysm and aortic dissection. Last evaluated: 2024-11-02. Review status: criteria provided, single submitter. Criteria: Invitae Variant Classification Sherloc (09022015). Collection method: clinical testing. Allele origin: germline.

Ambry Genetics
Classification: Likely benign for Cardiovascular phenotype. Last evaluated: 2019-12-13. Review status: criteria provided, single submitter. Criteria: Ambry Variant Classification Scheme 2023. Collection method: clinical testing. Allele origin: germline.

GeneDx
Classification: Likely benign. Last evaluated: 2018-06-19. Review status: criteria provided, single submitter. Criteria: GeneDx Variant Classification (06012015). Collection method: clinical testing. Allele origin: germline. Affected: yes.
Comment: This variant is considered likely benign or benign based on one or more of the following criteria: it is a conservative change, it occurs at a poorly conserved position in the protein, it is predicted to be benign by multiple in silico algorithms, and/or has population frequency not consistent with disease.